The following is an entry in ClinVar:

NM_001012614.2(CTBP1):c.-189+4A>C

Genes: CTBP1 (C-terminal binding protein 1; minus strand), LOC129991984 (ATAC-STARR-seq lymphoblastoid silent region 15125; plus strand). Cytogenetic location: 4p16.3.
Variant type: single nucleotide variant.
Coding change: c.-189+4A>C on transcript NM_001012614.2 (MANE Select); 4 bases into the intron after 189 bases upstream of the start codon, A replaced by C.
Molecular consequence: intron variant.
Genome position (GRCh38, 1-based): chr4:1,248,912, T>G on the plus strand (A>C on the coding strand, the complement: CTBP1 is on the minus strand). VCF-style: chr4-1248912-T-G. GRCh37 (hg19) VCF-style: chr4-1242700-T-G.
Other names: c.-189+1248A>C (NM_001377192.1, NM_001377189.1); c.-189+737A>C (NM_001377193.1, NM_001377190.1); c.40+4A>C (NM_001328.3, NM_001377186.1); c.-189+4A>C (NM_001377187.1).
Identifiers: ClinVar variation 1522908 (VCV001522908.6), dbSNP rs2108816690, ClinGen allele CA2573137469.

ClinVar aggregate classification (germline): Uncertain significance (1 of 4 stars; one submission).

Submission:

Labcorp Genetics (formerly Invitae), Labcorp
Classification: Uncertain significance. Last evaluated: 2021-12-02. Review status: criteria provided, single submitter. Criteria: Invitae Variant Classification Sherloc (09022015). Collection method: clinical testing. Allele origin: germline.
Comment: In summary, the available evidence is currently insufficient to determine the role of this variant in disease. Therefore, it has been classified as a Variant of Uncertain Significance. Variants that disrupt the consensus splice site are a relatively common cause of aberrant splicing (PMID: 17576681, 9536098). Algorithms developed to predict the effect of sequence changes on RNA splicing suggest that this variant may disrupt the consensus splice site. This variant has not been reported in the literature in individuals affected with CTBP1-related conditions. The frequency data for this variant in the population databases is considered unreliable, as metrics indicate insufficient coverage at this position in the gnomAD database. This sequence change falls in intron 1 of the CTBP1 gene. It does not directly change the encoded amino acid sequence of the CTBP1 protein. It affects a nucleotide within the consensus splice site.

Literature cited by the submitters: PubMed 17576681; PubMed 9536098.